The following is an entry in ClinVar:

ClinVar aggregate classification (germline): Uncertain significance (1 of 4 stars; one submission).

Conditions:
Meckel-Gruber syndrome. Also called: DYSENCEPHALIA SPLANCHNOCYSTICA; GRUBER SYNDROME; Dysencephalia splachnocystica. Identifiers: Orphanet 564, MedGen C0265215, MONDO:0018921.
Joubert syndrome. Also called: CEREBELLOPARENCHYMAL DISORDER IV; JOUBERT-BOLTSHAUSER SYNDROME; Familial aplasia of the vermis. Identifiers: Orphanet 475, MedGen C5979921, MONDO:0018772.

Allele frequency attached by ClinVar (database versions not stated): gnomAD 0.00001; TOPMed 0.00001.
gnomAD v4.1: 13 of 1,604,406 alleles (0.00081%); highest among the groups gnomAD compares: Non-Finnish European, 0.0011%; no homozygotes.

Submission:

Labcorp Genetics (formerly Invitae), Labcorp
Classification: Uncertain significance for Joubert syndrome; Meckel-Gruber syndrome. Last evaluated: 2021-11-17. Review status: criteria provided, single submitter. Criteria: Invitae Variant Classification Sherloc (09022015). Collection method: clinical testing. Allele origin: germline.
Comment: This sequence change replaces alanine, which is neutral and non-polar, with valine, which is neutral and non-polar, at codon 147 of the MKS1 protein (p.Ala147Val). This variant is not present in population databases (gnomAD no frequency). This variant has not been reported in the literature in individuals affected with MKS1-related conditions. Advanced modeling of protein sequence and biophysical properties (such as structural, functional, and spatial information, amino acid conservation, physicochemical variation, residue mobility, and thermodynamic stability) performed at Invitae indicates that this missense variant is not expected to disrupt MKS1 protein function. In summary, the available evidence is currently insufficient to determine the role of this variant in disease. Therefore, it has been classified as a Variant of Uncertain Significance.

NM_017777.4(MKS1):c.440C>T (p.Ala147Val)

Gene: MKS1 (MKS transition zone complex subunit 1; minus strand). Cytogenetic location: 17q22.
Variant type: single nucleotide variant.
Coding change: c.440C>T on transcript NM_017777.4 (MANE Select); coding-DNA position 440, C replaced by T.
Protein change: p.Ala147Val; replaces alanine 147 with valine.
Molecular consequence: missense variant. On other transcripts: intron variant (1).
Genome position (GRCh38, 1-based): chr17:58,214,816, G>A on the plus strand (C>T on the coding strand, the complement: MKS1 is on the minus strand). VCF-style: chr17-58214816-G-A. GRCh37 (hg19) VCF-style: chr17-56292177-G-A.
Other names: c.440C>T, p.Ala147Val (NM_001321269.2, NM_001330397.2); c.-94-429C>T (NM_001321268.2); short protein forms A147V.
Identifiers: ClinVar variation 1494188 (VCV001494188.3), dbSNP rs1376838481, ClinGen allele CA400327261.